The following is an entry in ClinVar:

ClinVar aggregate classification (germline): Likely pathogenic (1 of 4 stars; one submission).

Submission:

ARUP Laboratories, Molecular Genetics and Genomics, ARUP Laboratories
Classification: Likely pathogenic. Last evaluated: 2024-08-27. Review status: criteria provided, single submitter. Criteria: ARUP Molecular Germline Variant Investigation Process 2024. Collection method: clinical testing. Allele origin: germline.
Comment: The F8 c.5312T>C; p.Leu1771Pro variant (rs2073038950) is reported in the literature in multiple individuals affected with mild hemophilia A (see F8 database and references therein, Habart 2003). This variant is absent from the Genome Aggregation Database (v2.1.1), indicating it is not a common polymorphism. Computational analyses predict that this variant is deleterious (REVEL: 0.734). Based on available information, this variant is considered to be likely pathogenic. References: Link to F8 database: Habart D et al. Thirty-four novel mutations detected in factor VIII gene by multiplex CSGE: modeling of 13 novel amino acid substitutions. J Thromb Haemost. 2003 Apr;1(4):773-81. PMID: 12871415.

NM_000132.4(F8):c.5312T>C (p.Leu1771Pro)

Gene: F8 (coagulation factor VIII; minus strand). Cytogenetic location: Xq28.
Variant type: single nucleotide variant.
Coding change: c.5312T>C on transcript NM_000132.4 (MANE Select); coding-DNA position 5312, T replaced by C.
Protein change: p.Leu1771Pro; replaces leucine 1771 with proline.
Molecular consequence: missense variant.
Genome position (GRCh38, 1-based): chrX:154,906,481, A>G on the plus strand (T>C on the coding strand, the complement: F8 is on the minus strand). VCF-style: chrX-154906481-A-G. GRCh37 (hg19) VCF-style: chrX-154134756-A-G.
Other names: short protein forms L1771P.
Identifiers: ClinVar variation 3766803 (VCV003766803.1).